The following is an entry in ClinVar:

ClinVar aggregate classification (germline): Uncertain significance. Review status: criteria provided, multiple submitters, no conflicts (2 of 4 stars). 3 submissions from 3 submitters: Uncertain significance (3). Last evaluated 2026-02-25.

Conditions:
Pontocerebellar hypoplasia, type 11. Identifiers: Orphanet 611247, MedGen C4540164, MONDO:0054669, OMIM 617695.
Inborn genetic diseases. Identifiers: MedGen C0950123, MeSH D030342.

gnomAD v4.1: 140 of 1,610,070 alleles (0.0087%); highest among the groups gnomAD compares: Middle Eastern, 0.13%; no homozygotes.

Submissions (3):

Ambry Genetics
Classification: Uncertain significance for Inborn genetic diseases. Last evaluated: 2026-02-25. Review status: criteria provided, single submitter. Criteria: Ambry Variant Classification Scheme 2023. Collection method: clinical testing. Allele origin: germline.
Comment: The c.1004G>T (p.G335V) alteration is located in exon 10 (coding exon 10) of the TBC1D23 gene. This alteration results from a G to T substitution at nucleotide position 1004, causing the glycine (G) at amino acid position 335 to be replaced by a valine (V). Based on data from gnomAD, the T allele has an overall frequency of 0.01% (27/281986) total alleles studied. The highest observed frequency was 0.037% (13/35162) of Latino alleles. Based on insufficient or conflicting evidence, the clinical significance of this alteration remains unclear.

Genomic Medicine Lab, University of California San Francisco
Classification: Uncertain significance for Pontocerebellar hypoplasia, type 11. Last evaluated: 2019-07-11. Review status: criteria provided, single submitter. Criteria: ACMG Guidelines, 2015. Collection method: clinical testing. Allele origin: unknown. Inheritance: Autosomal recessive inheritance. Affected: yes. Study: CSER-P3EGS.

Breakthrough Genomics
Classification: Uncertain significance. Review status: criteria provided, single submitter. Criteria: ACMG Guidelines, 2015. Collection method: not provided. Allele origin: germline. Inheritance: Autosomal recessive inheritance. Affected: yes.

NM_001199198.3(TBC1D23):c.1004G>T (p.Gly335Val)

Gene: TBC1D23 (TBC1 domain family member 23; plus strand). Cytogenetic location: 3q12.1.
Variant type: single nucleotide variant.
Coding change: c.1004G>T on transcript NM_001199198.3 (MANE Select); coding-DNA position 1004, G replaced by T.
Protein change: p.Gly335Val; replaces glycine 335 with valine.
Molecular consequence: missense variant.
Genome position (GRCh38, 1-based): chr3:100,299,243, G>T. VCF-style: chr3-100299243-G-T. GRCh37 (hg19) VCF-style: chr3-100018087-G-T.
Other names: c.1004G>T (NM_001199198.1); c.1004G>T, p.Gly335Val (NM_018309.5); short protein forms G335V.
Identifiers: ClinVar variation 1065496 (VCV001065496.5), dbSNP rs367850996, ClinGen allele CA2514613.
Genomic context (GRCh38, chr3:100,299,243, plus strand): 5'-GTGCAATGTGAACCTCATGGGAAATTCCTGTATGTCAAATGTTGTTTCCGTTTTAGGAAG[G>T]AGTCCGGTTCTTTGTGGTGGATTGCCGTCCTGCAGAACAATATAATGCTGGGCATTTATC-3'
Protein context (NP_001186127.1, residues 325-345): ILQANQLQGE[Gly335Val]VRFFVVDCRP